The following is an entry in ClinVar:

NC_000022.10:g.(34157546_34252727)_(34316465_?)dup

Gene: LARGE1 (LARGE xylosyl- and glucuronyltransferase 1; minus strand). Cytogenetic location: 22q12.3.
Variant type: Duplication.
Identifiers: ClinVar variation 3374906 (VCV003374906.1).

ClinVar aggregate classification (germline): Uncertain significance (1 of 4 stars; one submission).

Submission:

Women's Health and Genetics/Laboratory Corporation of America, LabCorp
Classification: Uncertain significance. Last evaluated: 2024-09-11. Review status: criteria provided, single submitter. Criteria: LabCorp Variant Classification Summary - May 2015. Collection method: clinical testing. Allele origin: germline.
Comment: Variant summary: The variant involves the duplication of exons 1-2 in the 5'UTR of LARGE1 gene. A presumed nomenclature of c.(?_-628)_(-83+1_-82-1)dup has been designated for the purposes of this classification. The exact breakpoint at the 5' end of this variant is unknown, therefore this duplication may extend upstream of the annotated region of this gene. The variant was absent in 21694 control chromosomes (Structural Variants v2.1 dataset). The available data on variant occurrences in the general population are insufficient to allow any conclusion about variant significance. To our knowledge, no occurrence of c.(?_-628)_(-83+1_-82-1)dup in individuals affected with LARGE1-Related Disorders and no experimental evidence demonstrating its impact on protein function have been reported. No submitters have cited clinical-significance assessments for this variant to ClinVar. Based on the evidence outlined above, the variant was classified as uncertain significance.